The following is an entry in ClinVar:

ClinVar aggregate classification (germline): Uncertain significance. Review status: criteria provided, multiple submitters, no conflicts (2 of 4 stars). 2 submissions from 2 submitters: Uncertain significance (2). Last evaluated 2025-06-29.

Conditions:
Inborn genetic diseases. Identifiers: MedGen C0950123, MeSH D030342.
Early-infantile DEE. Also called: Early infantile epileptic encephalopathy with suppression bursts; Early infantile epileptic encephalopathy; Ohtahara syndrome. Identifiers: Orphanet 1934, MedGen C0393706, MONDO:0800491.

Allele frequency attached by ClinVar (database versions not stated): gnomAD 0.00001; TOPMed 0.00001.
gnomAD v4.1: 8 of 1,613,984 alleles (0.0005%); highest among the groups gnomAD compares: African/African-American, 0.0013%; no homozygotes.

Submissions (2):

Labcorp Genetics (formerly Invitae), Labcorp
Classification: Uncertain significance for Early-infantile DEE. Last evaluated: 2025-06-29. Review status: criteria provided, single submitter. Criteria: Invitae Variant Classification Sherloc (09022015). Collection method: clinical testing. Allele origin: germline.
Comment: This sequence change replaces serine, which is neutral and polar, with phenylalanine, which is neutral and non-polar, at codon 419 of the SPTAN1 protein (p.Ser419Phe). This variant is not present in population databases (gnomAD no frequency). This variant has not been reported in the literature in individuals affected with SPTAN1-related conditions. ClinVar contains an entry for this variant (Variation ID: 2741868). Invitae Evidence Modeling of protein sequence and biophysical properties (such as structural, functional, and spatial information, amino acid conservation, physicochemical variation, residue mobility, and thermodynamic stability) has been performed for this missense variant. However, the output from this modeling did not meet the statistical confidence thresholds required to predict the impact of this variant on SPTAN1 protein function. In summary, the available evidence is currently insufficient to determine the role of this variant in disease. Therefore, it has been classified as a Variant of Uncertain Significance.

Ambry Genetics
Classification: Uncertain significance for Inborn genetic diseases. Last evaluated: 2025-04-20. Review status: criteria provided, single submitter. Criteria: Ambry Variant Classification Scheme 2023. Collection method: clinical testing. Allele origin: germline.

NM_001130438.3(SPTAN1):c.1256C>T (p.Ser419Phe)

Gene: SPTAN1 (spectrin alpha, non-erythrocytic 1; plus strand). Cytogenetic location: 9q34.11.
Variant type: single nucleotide variant.
Coding change: c.1256C>T on transcript NM_001130438.3 (MANE Select); coding-DNA position 1256, C replaced by T.
Protein change: p.Ser419Phe; replaces serine 419 with phenylalanine.
Molecular consequence: missense variant.
Genome position (GRCh38, 1-based): chr9:128,579,671, C>T. VCF-style: chr9-128579671-C-T. GRCh37 (hg19) VCF-style: chr9-131341950-C-T.
Other names: c.1256C>T (NM_001130438.2); c.1256C>T, p.Ser419Phe (NM_001195532.2, NM_001363759.2, NM_001363765.2 and 5 more transcripts); c.1292C>T, p.Ser431Phe (NM_001375312.2, NM_001375318.1); short protein forms S431F, S419F.
Identifiers: ClinVar variation 2741868 (VCV002741868.4), dbSNP rs1851708895, ClinGen allele CA375052237.